The following is an entry in ClinVar:

NM_000069.3(CACNA1S):c.5614A>G (p.Arg1872Gly)

Gene: CACNA1S (calcium voltage-gated channel subunit alpha1 S; minus strand). Cytogenetic location: 1q32.1.
Variant type: single nucleotide variant.
Coding change: c.5614A>G on transcript NM_000069.3 (MANE Select); coding-DNA position 5614, A replaced by G.
Protein change: p.Arg1872Gly; replaces arginine 1872 with glycine.
Molecular consequence: missense variant.
Genome position (GRCh38, 1-based): chr1:201,039,839, T>C on the plus strand (A>G on the coding strand, the complement: CACNA1S is on the minus strand). VCF-style: chr1-201039839-T-C. GRCh37 (hg19) VCF-style: chr1-201008967-T-C.
Other names: short protein forms R1872G.
Identifiers: ClinVar variation 938948 (VCV000938948.9), dbSNP rs143345409, ClinGen allele CA35988810.
Genomic context (GRCh38, chr1:201,039,839, plus strand): 5'-CCACCCCCATTGGTCATGCCAGCTCTAAGCCCATGCTGATGCTGTGTGGGCATCACAGCC[T>C]TGGAGGAATAAGGGTCTCCTGGGAGCCCTGGTGTTGGTCGAGGCTGCCCAGGGAGGACCC-3'
Protein context (NP_000060.2, residues 1862-1873): QGSQETLIPP[Arg1872Gly]L

ClinVar aggregate classification (germline): Uncertain significance. Review status: criteria provided, multiple submitters, no conflicts (2 of 4 stars). 2 submissions from 2 submitters: Uncertain significance (2). Last evaluated 2023-11-22.

Conditions:
Hypokalemic periodic paralysis, type 1. Also called: HypoPP; Hypokalemic Periodic Paralysis Type 1 (AD). Identifiers: Orphanet 681, MedGen C3714580, MONDO:0042979, OMIM 170400.
Malignant hyperthermia, susceptibility to, 5 (MHS5). Also called: CACNA1S-Related Malignant Hyperthermia Susceptibility. Identifiers: Orphanet 423, MedGen C1866077, MONDO:0011163, OMIM 601887.

Allele frequency attached by ClinVar (database versions not stated): gnomAD exomes below 0.00001; TOPMed below 0.00001; gnomAD 0.00001; ESP Exome Variant Server 0.00008.
gnomAD v4.1: 5 of 1,604,890 alleles (0.00031%); highest among the groups gnomAD compares: Middle Eastern, 0.033%; no homozygotes.

Submissions (2):

Color Diagnostics, LLC DBA Color Health
Classification: Uncertain significance for Malignant hyperthermia, susceptibility to, 5. Last evaluated: 2023-11-22. Review status: criteria provided, single submitter. Criteria: ACMG Guidelines, 2015. Collection method: clinical testing. Allele origin: germline.
Comment: This missense variant replaces arginine with glycine at codon 1872 of the CACNA1S protein. Computational prediction suggests that this variant may not impact protein structure and function. To our knowledge, functional studies have not been reported for this variant. This variant has not been reported in individuals affected with CACNA1S-related disorders in the literature. This variant has not been identified in the general population by the Genome Aggregation Database (gnomAD). The available evidence is insufficient to determine the role of this variant in disease conclusively. Therefore, this variant is classified as a Variant of Uncertain Significance.

Labcorp Genetics (formerly Invitae), Labcorp
Classification: Uncertain significance for Hypokalemic periodic paralysis, type 1; Malignant hyperthermia, susceptibility to, 5. Last evaluated: 2023-01-22. Review status: criteria provided, single submitter. Criteria: Invitae Variant Classification Sherloc (09022015). Collection method: clinical testing. Allele origin: germline.
Comment: In summary, the available evidence is currently insufficient to determine the role of this variant in disease. Therefore, it has been classified as a Variant of Uncertain Significance. Advanced modeling of protein sequence and biophysical properties (such as structural, functional, and spatial information, amino acid conservation, physicochemical variation, residue mobility, and thermodynamic stability) performed at Invitae indicates that this missense variant is not expected to disrupt CACNA1S protein function. ClinVar contains an entry for this variant (Variation ID: 938948). This variant has not been reported in the literature in individuals affected with CACNA1S-related conditions. This variant is not present in population databases (gnomAD no frequency). This sequence change replaces arginine, which is basic and polar, with glycine, which is neutral and non-polar, at codon 1872 of the CACNA1S protein (p.Arg1872Gly).